The following is an entry in ClinVar:

NM_001903.5(CTNNA1):c.1088C>T (p.Ala363Val)

Gene: CTNNA1 (catenin alpha 1; plus strand). Cytogenetic location: 5q31.2.
Variant type: single nucleotide variant.
Coding change: c.1088C>T on transcript NM_001903.5 (MANE Select); coding-DNA position 1088, C replaced by T.
Protein change: p.Ala363Val; replaces alanine 363 with valine.
Molecular consequence: missense variant. On other transcripts: 5 prime UTR variant (26), intron variant (2).
Genome position (GRCh38, 1-based): chr5:138,886,237, C>T. VCF-style: chr5-138886237-C-T. GRCh37 (hg19) VCF-style: chr5-138221926-C-T.
Other names: c.1088C>T, p.Ala363Val (NM_001290307.3, NM_001323982.2, NM_001323983.1 and 3 more transcripts); c.779C>T, p.Ala260Val (NM_001290309.3); c.719C>T, p.Ala240Val (NM_001290310.3); c.-23C>T (NM_001290312.1, NM_001323987.1, NM_001323988.1 and 18 more transcripts); c.-420C>T (NM_001324006.1, NM_001324007.1, NM_001324008.1 and 1 more transcripts); c.-295C>T (NM_001324013.1); c.-58+10640C>T (NM_001324012.1); c.-61+10640C>T (NM_001324010.1); and 1 more; short protein forms A240V, A260V, A363V.
Identifiers: ClinVar variation 857205 (VCV000857205.10), dbSNP rs1215283244, ClinGen allele CA361132524.

ClinVar aggregate classification (germline): Conflicting classifications of pathogenicity. Review status: criteria provided, conflicting classifications (1 of 4 stars). 2 submissions from 2 submitters: Uncertain significance (1); Likely benign (1). Last evaluated 2025-03-12.

Conditions:
Hereditary cancer-predisposing syndrome. Also called: Tumor predisposition; Hereditary neoplastic syndrome; Neoplastic Syndromes, Hereditary; Hereditary Cancer Syndrome. Identifiers: Orphanet 140162, MedGen C0027672, MeSH D009386, MONDO:0015356.

gnomAD v4.1: 1 of 1,611,064 alleles (0.000062%); highest among the groups gnomAD compares: Non-Finnish European, 0.000085%; no homozygotes.

Submissions (2):

Ambry Genetics
Classification: Likely benign for Hereditary cancer-predisposing syndrome. Last evaluated: 2025-03-12. Review status: criteria provided, single submitter. Criteria: Ambry Variant Classification Scheme 2023. Collection method: clinical testing. Allele origin: germline.

Labcorp Genetics (formerly Invitae), Labcorp
Classification: Uncertain significance. Last evaluated: 2022-02-28. Review status: criteria provided, single submitter. Criteria: Invitae Variant Classification Sherloc (09022015). Collection method: clinical testing. Allele origin: germline.
Comment: ClinVar contains an entry for this variant (Variation ID: 857205). This variant has not been reported in the literature in individuals affected with CTNNA1-related conditions. This variant is not present in population databases (gnomAD no frequency). This sequence change replaces alanine, which is neutral and non-polar, with valine, which is neutral and non-polar, at codon 363 of the CTNNA1 protein (p.Ala363Val). Algorithms developed to predict the effect of missense changes on protein structure and function are either unavailable or do not agree on the potential impact of this missense change (SIFT: "Deleterious"; PolyPhen-2: "Benign"; Align-GVGD: "Class C0"). In summary, the available evidence is currently insufficient to determine the role of this variant in disease. Therefore, it has been classified as a Variant of Uncertain Significance.